The following is an entry in ClinVar:

ClinVar aggregate classification (germline): Uncertain significance (1 of 4 stars; one submission).

Submission:

Labcorp Genetics (formerly Invitae), Labcorp
Classification: Uncertain significance. Last evaluated: 2025-12-18. Review status: criteria provided, single submitter. Criteria: Invitae Variant Classification Sherloc (09022015). Collection method: clinical testing. Allele origin: germline.
Comment: This sequence change replaces glycine, which is neutral and non-polar, with aspartic acid, which is acidic and polar, at codon 1481 of the MYO7A protein (p.Gly1481Asp). This variant is not present in population databases (gnomAD no frequency). This variant has not been reported in the literature in individuals affected with MYO7A-related conditions. An algorithm developed to predict the effect of missense changes on protein structure and function (PolyPhen-2) suggests that this variant is likely to be disruptive. In summary, the available evidence is currently insufficient to determine the role of this variant in disease. Therefore, it has been classified as a Variant of Uncertain Significance.

NM_000260.4(MYO7A):c.4442G>A (p.Gly1481Asp)

Gene: MYO7A (myosin VIIA; plus strand). Cytogenetic location: 11q13.5.
Variant type: single nucleotide variant.
Coding change: c.4442G>A on transcript NM_000260.4 (MANE Select); coding-DNA position 4442, G replaced by A.
Protein change: p.Gly1481Asp; replaces glycine 1481 with aspartic acid.
Molecular consequence: missense variant.
Genome position (GRCh38, 1-based): chr11:77,198,495, G>A. VCF-style: chr11-77198495-G-A. GRCh37 (hg19) VCF-style: chr11-76909540-G-A.
Other names: c.4442G>A, p.Gly1481Asp (NM_001127180.2); c.4409G>A, p.Gly1470Asp (NM_001369365.1); short protein forms G1470D, G1481D.
Identifiers: ClinVar variation 4768916 (VCV004768916.1).